The following is an entry in ClinVar:

NM_201525.4(ADGRG1):c.812del (p.Arg271fs)

Gene: ADGRG1 (adhesion G protein-coupled receptor G1; plus strand). Cytogenetic location: 16q21.
Variant type: Deletion.
Coding change: c.812del on transcript NM_201525.4 (MANE Select); coding-DNA position 812, one base deleted (G; older notation c.812delG).
Protein change: p.Arg271fs; shifts the reading frame from arginine 271.
Molecular consequence: frameshift variant.
Genome position (GRCh38, 1-based): chr16:57,655,442, G deleted. VCF-style (leftmost placement, unchanged base first): chr16-57655441-CG-C. GRCh37 (hg19) VCF-style: chr16-57689353-CG-C.
Other names: c.812del, p.Arg271fs (NM_001370429.1, NM_001370430.1, NM_001370431.1 and 16 more transcripts); c.827del, p.Arg276fs (NM_001370433.1, NM_001145773.3); c.656del, p.Arg219fs (NM_001370442.1); c.287del, p.Arg96fs (NM_001370451.1, NM_001370453.1, NM_001370454.1 and 2 more transcripts); c.302del, p.Arg101fs (NM_001290142.2); short protein forms R271fs, R219fs, R101fs, R276fs, R96fs.
Identifiers: ClinVar variation 2023989 (VCV002023989.4), dbSNP rs2475716333, ClinGen allele CA2580091724.
Genomic context (GRCh38, chr16:57,655,441, plus strand): 5'-CTAAAGGGACCTCTGCAGGAGGAGCAGAGCGAGATCATGGAGTACTCGGTGCTGCTGCCT[CG>C]AACACTCTTCCAGAGGACGAAAGGCCGGAGCGGGGAGGCTGAGAAGAGACTCCTCCTGGT-3'

ClinVar aggregate classification (germline): Pathogenic (1 of 4 stars; one submission).

Submission:

Labcorp Genetics (formerly Invitae), Labcorp
Classification: Pathogenic. Last evaluated: 2021-12-02. Review status: criteria provided, single submitter. Criteria: Invitae Variant Classification Sherloc (09022015). Collection method: clinical testing. Allele origin: germline.
Comment: This sequence change creates a premature translational stop signal (p.Arg271Glnfs*52) in the ADGRG1 gene. It is expected to result in an absent or disrupted protein product. Loss-of-function variants in ADGRG1 are known to be pathogenic (PMID: 15044805, 20929962). This variant is not present in population databases (gnomAD no frequency). This variant has not been reported in the literature in individuals affected with ADGRG1-related conditions. For these reasons, this variant has been classified as Pathogenic.

Literature cited by the submitters: PubMed 15044805; PubMed 20929962.